The following is an entry in ClinVar:

NM_018191.4(RCBTB1):c.1325-1G>A

Gene: RCBTB1 (RCC1 and BTB domain containing protein 1; minus strand). Cytogenetic location: 13q14.2.
Variant type: single nucleotide variant.
Coding change: c.1325-1G>A on transcript NM_018191.4 (MANE Select); the canonical splice acceptor site of the intron before coding-DNA position 1325, G replaced by A.
Molecular consequence: splice acceptor variant.
Genome position (GRCh38, 1-based): chr13:49,541,007, C>T on the plus strand (G>A on the coding strand, the complement: RCBTB1 is on the minus strand). VCF-style: chr13-49541007-C-T. GRCh37 (hg19) VCF-style: chr13-50115143-C-T.
Other names: c.1325-1G>A (NM_001352501.2, NM_001352502.2, NM_001352503.2 and 2 more transcripts); c.746-1G>A (NM_001352506.2).
Identifiers: ClinVar variation 2841902 (VCV002841902.3), dbSNP rs1960316472, ClinGen allele CA388186862.

ClinVar aggregate classification (germline): Likely pathogenic (1 of 4 stars; one submission).

Allele frequency attached by ClinVar (database versions not stated): gnomAD exomes below 0.00001; TOPMed below 0.00001.
gnomAD v4.1: 1 of 1,609,432 alleles (0.000062%); no homozygotes.

Submission:

Labcorp Genetics (formerly Invitae), Labcorp
Classification: Likely pathogenic. Last evaluated: 2023-03-01. Review status: criteria provided, single submitter. Criteria: Invitae Variant Classification Sherloc (09022015). Collection method: clinical testing. Allele origin: germline.
Comment: In summary, the currently available evidence indicates that the variant is pathogenic, but additional data are needed to prove that conclusively. Therefore, this variant has been classified as Likely Pathogenic. Algorithms developed to predict the effect of sequence changes on RNA splicing suggest that this variant may disrupt the consensus splice site. This variant has not been reported in the literature in individuals affected with RCBTB1-related conditions. This variant is not present in population databases (gnomAD no frequency). This sequence change affects an acceptor splice site in intron 11 of the RCBTB1 gene. It is expected to disrupt RNA splicing. Variants that disrupt the donor or acceptor splice site typically lead to a loss of protein function (PMID: 16199547), and loss-of-function variants in RCBTB1 are known to be pathogenic (PMID: 31494449).

Literature cited by the submitters: PubMed 16199547; PubMed 31494449.